The following is an entry in ClinVar:

NM_000117.3(EMD):c.83-2A>C

Gene: EMD (emerin; plus strand). Cytogenetic location: Xq28.
Variant type: single nucleotide variant.
Coding change: c.83-2A>C on transcript NM_000117.3 (MANE Select); the canonical splice acceptor site of the intron before coding-DNA position 83, A replaced by C.
Molecular consequence: splice acceptor variant.
Genome position (GRCh38, 1-based): chrX:154,379,688, A>C. VCF-style: chrX-154379688-A-C. GRCh37 (hg19) VCF-style: chrX-153608048-A-C.
Identifiers: ClinVar variation 857566 (VCV000857566.8), dbSNP rs727504901, ClinGen allele CA415257246.

ClinVar aggregate classification (germline): Pathogenic (1 of 4 stars; one submission).

Conditions:
X-linked Emery-Dreifuss muscular dystrophy. Also called: Muscular dystrophy, tardive Emery-Dreifuss type, with contractures. Identifiers: Orphanet 261, Orphanet 98863, MedGen C0751337, MONDO:0010680.

Submission:

Labcorp Genetics (formerly Invitae), Labcorp
Classification: Pathogenic for X-linked Emery-Dreifuss muscular dystrophy. Last evaluated: 2019-03-13. Review status: criteria provided, single submitter. Criteria: Invitae Variant Classification Sherloc (09022015). Collection method: clinical testing. Allele origin: germline.
Comment: For these reasons, this variant has been classified as Pathogenic. Donor and acceptor splice site variants typically lead to a loss of protein function (PMID: 16199547), and loss-of-function variants in EMD are known to be pathogenic (PMID: 24365856). Algorithms developed to predict the effect of sequence changes on RNA splicing suggest that this variant may disrupt the consensus splice site, but this prediction has not been confirmed by published transcriptional studies. Disruption of this splice site has been observed in individuals affected with Emery-Dreifuss muscular dystrophy (PMID: 8595407, 18646565, Invitae). This variant is not present in population databases (ExAC no frequency). This sequence change affects an acceptor splice site in intron 1 of the EMD gene. It is expected to disrupt RNA splicing and likely results in an absent or disrupted protein product.

Literature cited by the submitters: PubMed 16199547; PubMed 24365856; PubMed 8595407; PubMed 18646565.